The following is an entry in ClinVar:

ClinVar aggregate classification (germline): Uncertain significance (1 of 4 stars; one submission).

Conditions:
Hyperaldosteronism, familial, type IV (HALD4). Also called: FH IV; ALDOSTERONISM, PRIMARY, AND HYPERTENSION. Identifiers: Orphanet 642671, MedGen C4310756, MONDO:0014875, OMIM 617027.
Idiopathic generalized epilepsy. Also called: Generalised epilepsy; EIG. Identifiers: MedGen C0270850, MONDO:0005579, OMIM 600669.

Submission:

Labcorp Genetics (formerly Invitae), Labcorp
Classification: Uncertain significance for Idiopathic generalized epilepsy; Hyperaldosteronism, familial, type IV. Last evaluated: 2022-04-08. Review status: criteria provided, single submitter. Criteria: Invitae Variant Classification Sherloc (09022015). Collection method: clinical testing. Allele origin: germline.
Comment: In summary, the available evidence is currently insufficient to determine the role of this variant in disease. Therefore, it has been classified as a Variant of Uncertain Significance. Algorithms developed to predict the effect of sequence changes on RNA splicing suggest that this variant may disrupt the consensus splice site. This variant has not been reported in the literature in individuals affected with CACNA1H-related conditions. This variant is not present in population databases (gnomAD no frequency). This sequence change falls in intron 19 of the CACNA1H gene. It does not directly change the encoded amino acid sequence of the CACNA1H protein.

NM_021098.3(CACNA1H):c.3970-8C>G

Gene: CACNA1H (calcium voltage-gated channel subunit alpha1 H; plus strand). Cytogenetic location: 16p13.3.
Variant type: single nucleotide variant.
Coding change: c.3970-8C>G on transcript NM_021098.3 (MANE Select); 8 bases into the intron before coding-DNA position 3970, C replaced by G.
Molecular consequence: intron variant.
Genome position (GRCh38, 1-based): chr16:1,210,575, C>G. VCF-style: chr16-1210575-C-G. GRCh37 (hg19) VCF-style: chr16-1260575-C-G.
Other names: c.3970-8C>G (NM_001005407.2).
Identifiers: ClinVar variation 2123021 (VCV002123021.4), dbSNP rs1969318964, ClinGen allele CA2580090405.
Genomic context (GRCh38, chr16:1,210,575, plus strand): 5'-TCCCGGGCCACCACGACCCCCAGGGAGGGGTGGAGTGGACACAGCCCCCCACCGTCCTCT[C>G]CCGGCAGGAGCGGGTCTTCCTCAGCGTCTCCAATTACATCTTCACGGCCATCTTCGTGGC-3'